The following is an entry in ClinVar:

ClinVar aggregate classification (germline): Likely pathogenic (1 of 4 stars; one submission).

Conditions:
Neurofibromatosis, type 1 (NF1). Also called: VON RECKLINGHAUSEN DISEASE; Peripheral type neurofibromatosis; NEUROFIBROMATOSIS, TYPE I, SOMATIC; Neurofibromatosis, type I. Identifiers: Orphanet 636, MedGen C0027831, MONDO:0018975, OMIM 162200. Disease mechanism: loss of function.

Submission:

Labcorp Genetics (formerly Invitae), Labcorp
Classification: Likely pathogenic for Neurofibromatosis, type 1. Last evaluated: 2024-11-13. Review status: criteria provided, single submitter. Criteria: Invitae Variant Classification Sherloc (09022015). Collection method: clinical testing. Allele origin: germline.
Comment: This sequence change replaces leucine, which is neutral and non-polar, with arginine, which is basic and polar, at codon 145 of the NF1 protein (p.Leu145Arg). This variant is not present in population databases (gnomAD no frequency). This missense change has been observed in individual(s) with neurofibromatosis type 1 (internal data). Invitae Evidence Modeling of protein sequence and biophysical properties (such as structural, functional, and spatial information, amino acid conservation, physicochemical variation, residue mobility, and thermodynamic stability) indicates that this missense variant is expected to disrupt NF1 protein function with a positive predictive value of 95%. This variant disrupts the p.Leu145 amino acid residue in NF1. Other variant(s) that disrupt this residue have been determined to be pathogenic (PMID: 15060124, 26962827). This suggests that this residue is clinically significant, and that variants that disrupt this residue are likely to be disease-causing. In summary, the currently available evidence indicates that the variant is pathogenic, but additional data are needed to prove that conclusively. Therefore, this variant has been classified as Likely Pathogenic.

Literature cited by the submitters: PubMed 15060124; PubMed 26962827.

NM_001042492.3(NF1):c.434T>G (p.Leu145Arg)

Gene: NF1 (neurofibromin 1; plus strand). Cytogenetic location: 17q11.2.
Variant type: single nucleotide variant.
Coding change: c.434T>G on transcript NM_001042492.3 (MANE Select); coding-DNA position 434, T replaced by G.
Protein change: p.Leu145Arg; replaces leucine 145 with arginine.
Molecular consequence: missense variant.
Genome position (GRCh38, 1-based): chr17:31,163,331, T>G. VCF-style: chr17-31163331-T-G. GRCh37 (hg19) VCF-style: chr17-29490349-T-G.
Other names: c.434T>G, p.Leu145Arg (NM_001128147.3, NM_000267.4); short protein forms L145R.
Identifiers: ClinVar variation 3634479 (VCV003634479.2).